The following is an entry in ClinVar:

NM_000059.4(BRCA2):c.5984A>G (p.Asn1995Ser)

Gene: BRCA2 (BRCA2 DNA repair associated; plus strand). Cytogenetic location: 13q13.1.
Variant type: single nucleotide variant.
Coding change: c.5984A>G on transcript NM_000059.4 (MANE Select); coding-DNA position 5984, A replaced by G.
Protein change: p.Asn1995Ser; replaces asparagine 1995 with serine.
Molecular consequence: missense variant.
Genome position (GRCh38, 1-based): chr13:32,340,339, A>G. VCF-style: chr13-32340339-A-G. GRCh37 (hg19) VCF-style: chr13-32914476-A-G.
Other names: short protein forms N1995S.
Identifiers: ClinVar variation 141174 (VCV000141174.5), dbSNP rs587781552, ClinGen allele CA023451.

ClinVar aggregate classification (germline): Conflicting classifications of pathogenicity. Review status: criteria provided, conflicting classifications (1 of 4 stars). 2 submissions from 2 submitters: Uncertain significance (1); Likely benign (1). Last evaluated 2023-03-23.

Conditions:
Hereditary cancer-predisposing syndrome. Also called: Neoplastic Syndromes, Hereditary; Tumor predisposition; Hereditary Cancer Syndrome; Hereditary neoplastic syndrome. Identifiers: Orphanet 140162, MedGen C0027672, MeSH D009386, MONDO:0015356.

Submissions (2):

University of Washington Department of Laboratory Medicine, University of Washington
Classification: Likely benign for Hereditary cancer-predisposing syndrome. Last evaluated: 2023-03-23. Review status: criteria provided, single submitter. Criteria: Dines et al. (Genet Med. 2020). Collection method: curation. Allele origin: germline.
Comment: Missense variant in a coldspot region where missense variants are very unlikely to be pathogenic (PMID:31911673).

BRCA2 exon 11 coldspot. Reclassification based on statistical prior probability.

Ambry Genetics
Classification: Uncertain significance for Hereditary cancer-predisposing syndrome. Last evaluated: 2014-01-14. Review status: criteria provided, single submitter. Criteria: Ambry Autosomal Dominant and X-Linked criteria (10/2015). Collection method: clinical testing. Allele origin: germline. Observed: 1 variant allele.
Comment: The p.N1995S variant (also known as c.5984A>G), located in coding exon 10 of the BRCA2 gene, results from an A to G substitution at nucleotide position 5984. The asparagine at codon 1995 is replaced by serine, an amino acid with highly similar properties. This amino acid position is poorly conserved in available vertebrate species. In addition, this alteration is predicted to be tolerated by in silico analysis. Since supporting evidence is limited at this time, the clinical significance of this alteration remains unclear.